The following is an entry in ClinVar:

NM_000051.4(ATM):c.3235_3236delinsTT (p.Ala1079Phe)

Gene: ATM (ATM serine/threonine kinase; plus strand). Cytogenetic location: 11q22.3.
Variant type: Indel.
Coding change: c.3235_3236delinsTT on transcript NM_000051.4 (MANE Select); coding-DNA positions 3235 to 3236, GC replaced by TT.
Protein change: p.Ala1079Phe; replaces alanine 1079 with phenylalanine.
Molecular consequence: missense variant.
Genome position (GRCh38, 1-based): chr11:108,272,803-108,272,804, GC replaced by TT. VCF-style: chr11-108272803-GC-TT. GRCh37 (hg19) VCF-style: chr11-108143530-GC-TT.
Other names: c.3235_3236delinsTT (NM_000051.3); c.3235_3236delinsTT, p.Ala1079Phe (NM_001351834.2); c.3235_3236delGCinsTT (NM_000051.3); short protein forms A1079F.
Identifiers: ClinVar variation 453453 (VCV000453453.10), dbSNP rs1555086120, ClinGen allele CA658656179.

ClinVar aggregate classification (germline): Uncertain significance. Review status: criteria provided, multiple submitters, no conflicts (2 of 4 stars). 3 submissions from 3 submitters: Uncertain significance (3). Last evaluated 2024-11-29.

Conditions:
Hereditary cancer-predisposing syndrome. Also called: Tumor predisposition; Hereditary Cancer Syndrome; Neoplastic Syndromes, Hereditary; Hereditary neoplastic syndrome. Identifiers: Orphanet 140162, MedGen C0027672, MeSH D009386, MONDO:0015356.
Ataxia-telangiectasia syndrome (AT). Also called: Cerebello-oculocutaneous telangiectasia; Immunodeficiency with ataxia telangiectasia; Ataxia-telangiectasia, complementation group D; AT, COMPLEMENTATION GROUP C; Ataxia-telangiectasia, complementation group E; LOUIS-BAR SYNDROME. Identifiers: Orphanet 100, MedGen C0004135, MONDO:0008840, OMIM 208900.
Familial cancer of breast. Also called: Hereditary breast cancer; hereditary breast carcinoma; BREAST CANCER, FAMILIAL. Identifiers: Orphanet 227535, MedGen C0346153, MONDO:0016419, OMIM 114480. Disease mechanism: loss of function.

Submissions (3):

Labcorp Genetics (formerly Invitae), Labcorp
Classification: Uncertain significance for Ataxia-telangiectasia syndrome. Last evaluated: 2024-11-29. Review status: criteria provided, single submitter. Criteria: Invitae Variant Classification Sherloc (09022015). Collection method: clinical testing. Allele origin: germline.
Comment: This sequence change replaces alanine, which is neutral and non-polar, with phenylalanine, which is neutral and non-polar, at codon 1079 of the ATM protein (p.Ala1079Phe). Information on the frequency of this variant in the gnomAD database is not available, as this variant may be reported differently in the database. This variant has not been reported in the literature in individuals affected with ATM-related conditions. ClinVar contains an entry for this variant (Variation ID: 453453). An algorithm developed to predict the effect of missense changes on protein structure and function (PolyPhen-2) suggests that this variant is likely to be disruptive. In summary, the available evidence is currently insufficient to determine the role of this variant in disease. Therefore, it has been classified as a Variant of Uncertain Significance.

Fulgent Genetics
Classification: Uncertain significance for Familial cancer of breast; Ataxia-telangiectasia syndrome. Last evaluated: 2024-04-23. Review status: criteria provided, single submitter. Criteria: ACMG Guidelines, 2015. Collection method: clinical testing. Allele origin: germline.

Ambry Genetics
Classification: Uncertain significance for Hereditary cancer-predisposing syndrome. Last evaluated: 2023-11-03. Review status: criteria provided, single submitter. Criteria: Ambry Variant Classification Scheme 2023. Collection method: clinical testing. Allele origin: germline.
Comment: The c.3235_3236delGCinsTT variant (also known as p.A1079F), located in coding exon 21 of the ATM gene, results from an in-frame deletion of GC and insertion of TT at nucleotide positions 3235 to 3236. This results in the substitution of the alanine residue for a phenylalanine residue at codon 1079, an amino acid with dissimilar properties. This amino acid position is highly conserved in available vertebrate species. In addition, the in silico prediction for this alteration is inconclusive (Choi Y et al. PLoS ONE. 2012; 7(10):e46688). Since supporting evidence is limited at this time, the clinical significance of this alteration remains unclear.